The following is an entry in ClinVar:

ClinVar aggregate classification (germline): Uncertain significance (1 of 4 stars; one submission).

Conditions:
Rhabdoid tumor predisposition syndrome 2 (RTPS2). Identifiers: Orphanet 231108, Orphanet 69077, MedGen C2750074, MONDO:0013224, OMIM 613325.

Submission:

Labcorp Genetics (formerly Invitae), Labcorp
Classification: Uncertain significance for Rhabdoid tumor predisposition syndrome 2. Last evaluated: 2025-04-28. Review status: criteria provided, single submitter. Criteria: Invitae Variant Classification Sherloc (09022015). Collection method: clinical testing. Allele origin: germline.
Comment: This sequence change replaces proline, which is neutral and non-polar, with serine, which is neutral and polar, at codon 333 of the SMARCA4 protein (p.Pro333Ser). This variant is not present in population databases (gnomAD no frequency). This variant has not been reported in the literature in individuals affected with SMARCA4-related conditions. ClinVar contains an entry for this variant (Variation ID: 640765). Invitae Evidence Modeling of protein sequence and biophysical properties (such as structural, functional, and spatial information, amino acid conservation, physicochemical variation, residue mobility, and thermodynamic stability) indicates that this missense variant is not expected to disrupt SMARCA4 protein function with a negative predictive value of 80%. In summary, the available evidence is currently insufficient to determine the role of this variant in disease. Therefore, it has been classified as a Variant of Uncertain Significance.

NM_003072.5(SMARCA4):c.997C>T (p.Pro333Ser)

Gene: SMARCA4 (SWI/SNF related BAF chromatin remodeling complex subunit ATPase 4; plus strand). Cytogenetic location: 19p13.2.
Variant type: single nucleotide variant.
Coding change: c.997C>T on transcript NM_003072.5 (MANE Select); coding-DNA position 997, C replaced by T.
Protein change: p.Pro333Ser; replaces proline 333 with serine.
Molecular consequence: missense variant. On other transcripts: non-coding transcript variant (1).
Genome position (GRCh38, 1-based): chr19:10,987,803, C>T. VCF-style: chr19-10987803-C-T. GRCh37 (hg19) VCF-style: chr19-11098479-C-T.
Other names: c.997C>T, p.Pro333Ser (NM_001128844.3, NM_001128845.2, NM_001128846.2 and 5 more transcripts); short protein forms P333S.
Identifiers: ClinVar variation 640765 (VCV000640765.8), dbSNP rs1599969686, ClinGen allele CA404058604.
Genomic context (GRCh38, chr19:10,987,803, plus strand): 5'-CCCGCGCCCCCTGCCGTCCCACCCGCCGCCTCGCCCGTGATGCCACCGCAGACCCAGTCC[C>T]CCGGGCAGCCGGCCCAGCCCGCGCCCATGGTGCCACTGCACCAGAAGCAGAGCCGCATCA-3'
Protein context (NP_003063.2, residues 323-343): SPVMPPQTQS[Pro333Ser]GQPAQPAPMV